The following is an entry in ClinVar:

NM_001846.4(COL4A2):c.4400A>C (p.Glu1467Ala)

Genes: COL4A2 (collagen type IV alpha 2 chain; plus strand), COL4A2-AS1 (COL4A2 antisense RNA 1; minus strand). Cytogenetic location: 13q34.
Variant type: single nucleotide variant.
Coding change: c.4400A>C on transcript NM_001846.4 (MANE Select); coding-DNA position 4400, A replaced by C.
Protein change: p.Glu1467Ala; replaces glutamic acid 1467 with alanine.
Molecular consequence: missense variant.
Genome position (GRCh38, 1-based): chr13:110,504,262, A>C. VCF-style: chr13-110504262-A-C. GRCh37 (hg19) VCF-style: chr13-111156609-A-C.
Other names: c.4400A>C (NM_001846.3, NM_001846.2); short protein forms E1467A.
Identifiers: ClinVar variation 1166951 (VCV001166951.13), dbSNP rs202207552, ClinGen allele CA7050511.

ClinVar aggregate classification (germline): Benign/Likely benign. Review status: criteria provided, multiple submitters, no conflicts (2 of 4 stars). 4 submissions from 4 submitters: Benign (2); Likely benign (1). 1 of the submissions does not count toward it. Last evaluated 2025-11-03.

Conditions:
COL4A2-related disorder. Also called: COL4A2-related disorders; COL4A2-related condition.
Inborn genetic diseases. Identifiers: MedGen C0950123, MeSH D030342.

Allele frequency attached by ClinVar (database versions not stated): 1000 Genomes Project 0.00140; ESP Exome Variant Server 0.00154; 1000 Genomes Project 30x 0.00156; gnomAD 0.00160 and 0.00172; TOPMed 0.00167.
gnomAD v4.1: 469 of 1,612,202 alleles (0.029%); highest among the groups gnomAD compares: African/African-American, 0.54%; 2 homozygotes.

Submissions (4):

Labcorp Genetics (formerly Invitae), Labcorp
Classification: Benign. Last evaluated: 2025-11-03. Review status: criteria provided, single submitter. Criteria: Invitae Variant Classification Sherloc (09022015). Collection method: clinical testing. Allele origin: germline.

Ambry Genetics
Classification: Likely benign for Inborn genetic diseases. Last evaluated: 2024-10-07. Review status: criteria provided, single submitter. Criteria: Ambry Variant Classification Scheme 2023. Collection method: clinical testing. Allele origin: germline.

Breakthrough Genomics
Classification: Benign. Review status: criteria provided, single submitter. Criteria: ACMG Guidelines, 2015. Collection method: not provided. Allele origin: germline. Inheritance: Autosomal dominant inheritance. Affected: yes.

PreventionGenetics, part of Exact Sciences
Classification: Likely benign for COL4A2-related condition. Last evaluated: 2019-07-24. Review status: no assertion criteria provided. Collection method: clinical testing. Allele origin: germline. Not counted in ClinVar's aggregate classification.
Comment: This variant is classified as likely benign based on ACMG/AMP sequence variant interpretation guidelines (Richards et al. 2015 PMID: 25741868, with internal and published modifications).